The following is an entry in ClinVar:

ClinVar aggregate classification (germline): Likely benign. Review status: criteria provided, single submitter (1 of 4 stars). 2 submissions from 2 submitters: Likely benign (1). 1 of the submissions does not count toward it. Last evaluated 2021-12-01.

Conditions:
CTSB-related disorder. Also called: CTSB-related condition.

Allele frequency attached by ClinVar (database versions not stated): 1000 Genomes Project 30x 0.00031; 1000 Genomes Project 0.00040; ESP Exome Variant Server 0.00092.
gnomAD v4.1: 967 of 1,613,580 alleles (0.06%); highest among the groups gnomAD compares: Non-Finnish European, 0.076%; no homozygotes.

Submissions (2):

Labcorp Genetics (formerly Invitae), Labcorp
Classification: Likely benign. Last evaluated: 2021-12-01. Review status: criteria provided, single submitter. Criteria: Invitae Variant Classification Sherloc (09022015). Collection method: clinical testing. Allele origin: germline.

PreventionGenetics, part of Exact Sciences
Classification: Likely benign for CTSB-related condition. Last evaluated: 2019-12-24. Review status: no assertion criteria provided. Collection method: clinical testing. Allele origin: germline. Not counted in ClinVar's aggregate classification.
Comment: This variant is classified as likely benign based on ACMG/AMP sequence variant interpretation guidelines (Richards et al. 2015 PMID: 25741868, with internal and published modifications).

NM_001908.5(CTSB):c.405G>C (p.Ala135=)

Gene: CTSB (cathepsin B). Cytogenetic location: 8p23.1.
Variant type: single nucleotide variant.
Coding change: c.405G>C on transcript NM_001908.5 (MANE Select); coding-DNA position 405, G replaced by C.
Protein change: p.Ala135=; no amino-acid change (alanine 135 retained).
Molecular consequence: synonymous variant. On other transcripts: intron variant (1).
Genome position (GRCh38, 1-based): chr8:11,849,087, C>G on the plus strand (G>C on the coding strand, the complement: CTSB is on the minus strand). VCF-style: chr8-11849087-C-G. GRCh37 (hg19) VCF-style: chr8-11706596-C-G.
Other names: c.405G>C (NM_001908.4); c.405G>C, p.Ala135= (NM_001384714.1, NM_001384723.1, NM_001384724.1 and 8 more transcripts); c.75-935G>C (NM_001317237.2).
Identifiers: ClinVar variation 1147904 (VCV001147904.11), dbSNP rs138936863, ClinGen allele CA4632953.
Genomic context (GRCh38, chr8:11,849,087, plus strand): 5'-GAAGCACAGCCTGACTCACCCGTCCCCACACATGCTGCCACAGCATGTGAGCAGGTCCTC[C>G]GCCGACACCTCCACGCTGACGTGCGCATTGGTGTGGATGCAGATCCGGTCAGAGATGGCT-3'
Protein context (NP_001899.1, residues 125-145): TNAHVSVEVS[Ala135=]EDLLTCCGSM